The following is an entry in ClinVar:

ClinVar aggregate classification (germline): Likely benign. Review status: criteria provided, multiple submitters, no conflicts (2 of 4 stars). 2 submissions from 2 submitters: Likely benign (2). Last evaluated 2026-06-01.

Allele frequency attached by ClinVar (database versions not stated): TOPMed 0.00002.
gnomAD v4.1: 77 of 1,613,442 alleles (0.0048%); highest among the groups gnomAD compares: Middle Eastern, 0.033%; no homozygotes.

Submissions (2):

CeGaT Center for Human Genetics Tuebingen
Classification: Likely benign. Last evaluated: 2026-06-01. Review status: criteria provided, single submitter. Criteria: CeGaT Center For Human Genetics Tuebingen Variant Classification Criteria Version 2. Collection method: clinical testing. Allele origin: germline. Affected: yes. Observed: 1 variant allele.
Comment: BRF1: BP4, BP7

Labcorp Genetics (formerly Invitae), Labcorp
Classification: Likely benign. Last evaluated: 2017-07-24. Review status: criteria provided, single submitter. Criteria: Invitae Variant Classification Sherloc (09022015). Collection method: clinical testing. Allele origin: germline.

NM_001519.4(BRF1):c.243G>A (p.Ser81=)

Gene: BRF1 (BRF1 general transcription factor IIIB subunit; minus strand). Cytogenetic location: 14q32.33.
Variant type: single nucleotide variant.
Coding change: c.243G>A on transcript NM_001519.4 (MANE Select); coding-DNA position 243, G replaced by A.
Protein change: p.Ser81=; no amino-acid change (serine 81 retained).
Molecular consequence: synonymous variant. On other transcripts: 5 prime UTR variant (2), intron variant (1).
Genome position (GRCh38, 1-based): chr14:105,286,318, C>T on the plus strand (G>A on the coding strand, the complement: BRF1 is on the minus strand). VCF-style: chr14-105286318-C-T. GRCh37 (hg19) VCF-style: chr14-105752655-C-T.
Other names: c.-103G>A (NM_001242786.2, NM_001242787.2); c.243G>A, p.Ser81= (NM_001242790.2); c.185-13424G>A (NM_001242788.2).
Identifiers: ClinVar variation 791402 (VCV000791402.4), dbSNP rs138084196, ClinGen allele CA7388203.